The following is an entry in ClinVar:

ClinVar aggregate classification (germline): Uncertain significance (1 of 4 stars; one submission).

gnomAD v4.1: 6 of 1,614,176 alleles (0.00037%); highest among the groups gnomAD compares: East Asian, 0.0045%; no homozygotes.

Submission:

Dasa
Classification: Uncertain significance. Last evaluated: 2026-01-16. Review status: criteria provided, single submitter. Criteria: DASA Assertion Criteria. Collection method: clinical testing. Allele origin: germline.
Comment: NM_005121.3(MED13):c.3628C>T (p.Pro1210Ser) is a missense variant that results in the substitution of proline with serine. This variant is rare in population databases. Computational prediction algorithms are consistent with a benign effect. The currently available literature and clinical evidence are not sufficient to establish a definitive association between this variant and the reported condition. Therefore, this variant is classified as a variant of uncertain significance.

NM_005121.3(MED13):c.3628C>T (p.Pro1210Ser)

Gene: MED13 (mediator complex subunit 13; minus strand). Cytogenetic location: 17q23.2.
Variant type: single nucleotide variant.
Coding change: c.3628C>T on transcript NM_005121.3 (MANE Select); coding-DNA position 3628, C replaced by T.
Protein change: p.Pro1210Ser; replaces proline 1210 with serine.
Molecular consequence: missense variant.
Genome position (GRCh38, 1-based): chr17:61,982,375, G>A on the plus strand (C>T on the coding strand, the complement: MED13 is on the minus strand). VCF-style: chr17-61982375-G-A. GRCh37 (hg19) VCF-style: chr17-60059736-G-A.
Other names: short protein forms P1210S.
Identifiers: ClinVar variation 4885995 (VCV004885995.2).